The following is an entry in ClinVar:

ClinVar aggregate classification (germline): Benign. Review status: criteria provided, multiple submitters, no conflicts (2 of 4 stars). 7 submissions from 7 submitters: Benign (6). 1 of the submissions does not count toward it. Last evaluated 2026-02-04.

Conditions:
Carnitine palmitoyl transferase 1A deficiency. Also called: Carnitine palmitoyltransferase type I deficiency; CPT I DEFICIENCY; CPT DEFICIENCY, HEPATIC, TYPE I; Carnitine palmitoyltransferase 1A deficiency; CPT deficiency, hepatic, type IA. Identifiers: Orphanet 156, MedGen C1829703, MONDO:0009705, OMIM 255120.

Allele frequency attached by ClinVar (database versions not stated): gnomAD exomes 0.05974 and 0.06789; ExAC 0.07047; gnomAD 0.08414 and 0.08493; TOPMed 0.09031; ESP Exome Variant Server 0.09270; 1000 Genomes Project 0.11102; 1000 Genomes Project 30x 0.11227.
gnomAD v4.1: 100,926 of 1,612,472 alleles (6.3%); highest among the groups gnomAD compares: African/African-American, 17%; 4,029 homozygotes.

Submissions (7):

Labcorp Genetics (formerly Invitae), Labcorp
Classification: Benign for Carnitine palmitoyl transferase 1A deficiency. Last evaluated: 2026-02-04. Review status: criteria provided, single submitter. Criteria: Invitae Variant Classification Sherloc (09022015). Collection method: clinical testing. Allele origin: germline.

ARUP Laboratories, Molecular Genetics and Genomics, ARUP Laboratories
Classification: Benign for Carnitine palmitoyl transferase 1A deficiency. Last evaluated: 2025-02-25. Review status: criteria provided, single submitter. Criteria: ARUP Molecular Germline Variant Investigation Process 2024. Collection method: clinical testing. Allele origin: germline.

Mayo Clinic Laboratories, Mayo Clinic
Classification: Benign. Last evaluated: 2022-11-16. Review status: criteria provided, single submitter. Criteria: ACMG Guidelines, 2015. Collection method: clinical testing. Allele origin: germline. Observed: 9 variant alleles.
Comment: BA1

Genome-Nilou Lab
Classification: Benign for Carnitine palmitoyl transferase 1A deficiency. Last evaluated: 2021-07-01. Review status: criteria provided, single submitter. Criteria: ACMG Guidelines, 2015. Collection method: clinical testing. Allele origin: germline. Affected: no.

Eurofins Ntd Llc (ga)
Classification: Benign. Last evaluated: 2016-01-15. Review status: criteria provided, single submitter. Criteria: EGL Classification Definitions 2015. Collection method: clinical testing. Allele origin: germline. Observed: 7 variant alleles, 7 heterozygotes.

Breakthrough Genomics
Classification: Benign. Review status: criteria provided, single submitter. Criteria: ACMG Guidelines, 2015. Collection method: not provided. Allele origin: germline. Inheritance: Autosomal recessive inheritance. Affected: yes.

Natera, Inc.
Classification: Benign for Carnitine palmitoyltransferase type I deficiency. Last evaluated: 2019-11-21. Review status: no assertion criteria provided. Collection method: clinical testing. Allele origin: germline. Not counted in ClinVar's aggregate classification.

Literature cited by the submitters: PubMed 33845545 (cited by Mayo Clinic Laboratories, Mayo Clinic); PubMed 34869124 (cited by Mayo Clinic Laboratories, Mayo Clinic).

NM_001876.4(CPT1A):c.968-8C>T

Gene: CPT1A (carnitine palmitoyltransferase 1A; minus strand). Cytogenetic location: 11q13.3.
Variant type: single nucleotide variant.
Coding change: c.968-8C>T on transcript NM_001876.4 (MANE Select); 8 bases into the intron before coding-DNA position 968, C replaced by T.
Molecular consequence: intron variant.
Genome position (GRCh38, 1-based): chr11:68,785,018, G>A on the plus strand (C>T on the coding strand, the complement: CPT1A is on the minus strand). VCF-style: chr11-68785018-G-A. GRCh37 (hg19) VCF-style: chr11-68552486-G-A.
Other names: p.?; c.968-8C>T (NM_001031847.3).
Identifiers: ClinVar variation 93979 (VCV000093979.24), dbSNP rs2305507, ClinGen allele CA285507.